The following is an entry in ClinVar:

NM_001190274.2(FBXO11):c.1493A>G (p.His498Arg)

Gene: FBXO11 (F-box protein 11; minus strand). Cytogenetic location: 2p16.3.
Variant type: single nucleotide variant.
Coding change: c.1493A>G on transcript NM_001190274.2 (MANE Select); coding-DNA position 1493, A replaced by G.
Protein change: p.His498Arg; replaces histidine 498 with arginine.
Molecular consequence: missense variant.
Genome position (GRCh38, 1-based): chr2:47,823,266, T>C on the plus strand (A>G on the coding strand, the complement: FBXO11 is on the minus strand). VCF-style: chr2-47823266-T-C. GRCh37 (hg19) VCF-style: chr2-48050405-T-C.
Other names: c.1241A>G, p.His414Arg (NM_001374325.1, NM_025133.4); short protein forms H498R, H414R.
Identifiers: ClinVar variation 5009102 (VCV005009102.1).

ClinVar aggregate classification (germline): Uncertain significance (1 of 4 stars; one submission).

Submission:

GeneDx
Classification: Uncertain significance. Last evaluated: 2026-03-13. Review status: criteria provided, single submitter. Criteria: GeneDx Variant Classification Process June 2021. Collection method: clinical testing. Allele origin: germline.
Comment: Not observed at significant frequency in large population cohorts (gnomAD); In silico analysis supports that this missense variant has a deleterious effect on protein structure/function; Has not been previously published as pathogenic or benign to our knowledge